The following is an entry in ClinVar:

NM_001042492.3(NF1):c.7102del (p.Glu2368fs)

Gene: NF1 (neurofibromin 1; plus strand). Cytogenetic location: 17q11.2.
Variant type: Deletion.
Coding change: c.7102del on transcript NM_001042492.3 (MANE Select); coding-DNA position 7102, one base deleted (G; older notation c.7102delG).
Protein change: p.Glu2368fs; shifts the reading frame from glutamic acid 2368.
Molecular consequence: frameshift variant.
Genome position (GRCh38, 1-based): chr17:31,343,048, G deleted; the last of 2 consecutive G bases (chr17:31,343,047-31,343,048); deleting either gives the same sequence. VCF-style (leftmost placement, unchanged base first): chr17-31343046-TG-T. GRCh37 (hg19) VCF-style: chr17-29670064-TG-T.
Other names: c.7039delG (NM_000267.3); c.7039delG, p.Glu2347Serfs (NM_000267.4); short protein forms E2347fs, E2368fs.
Identifiers: ClinVar variation 428959 (VCV000428959.4), dbSNP rs1131691082, ClinGen allele CA645369652.

ClinVar aggregate classification (germline): Pathogenic (1 of 4 stars; one submission).
ClinVar aggregate classification (oncogenicity): Uncertain significance (1 of 4 stars; one submission).

Conditions:
Hereditary cancer-predisposing syndrome. Also called: Hereditary Cancer Syndrome; Neoplastic Syndromes, Hereditary; Hereditary neoplastic syndrome; Tumor predisposition. Identifiers: Orphanet 140162, MedGen C0027672, MeSH D009386, MONDO:0015356.
Neoplasm. Also called: tumor; Neoplasms; Neoplasm (disease). Identifiers: MedGen C0027651, MeSH D009369, MONDO:0005070, HP:0002664.

Submissions (2):

Center for Genomic Medicine, Rigshospitalet, Copenhagen University Hospital
Classification: Uncertain significance for Neoplasm. Last evaluated: 2025-03-04. Review status: criteria provided, single submitter. Criteria: ClinGen/CGC/VICC Guidelines for Oncogenicity, 2022. Collection method: clinical testing. Allele origin: somatic. Affected: yes.

Ambry Genetics
Classification: Pathogenic for Hereditary cancer-predisposing syndrome. Last evaluated: 2015-03-30. Review status: criteria provided, single submitter. Criteria: Ambry Autosomal Dominant and X-Linked criteria (10/2015). Collection method: clinical testing. Allele origin: germline. Observed: 1 variant allele.
Comment: The c.7102delG(also known as c.7039delG) pathogenic mutation, located in coding exon 48 of the NF1 gene, results from a deletion of one nucleotide at nucleotide position 7102, causing a translational frameshift with a predicted alternate stop codon. Since frameshifts are typically deleterious in nature, this alteration is interpreted as a disease-causing mutation (ACMG Recommendations for Standards for Interpretation and Reporting of Sequence Variations. Revision 2007. Genet Med. 2008;10:294).